The following is an entry in ClinVar:

NM_021930.6(RINT1):c.743A>G (p.Gln248Arg)

Gene: RINT1 (RAD50 interactor 1; plus strand). Cytogenetic location: 7q22.3.
Variant type: single nucleotide variant.
Coding change: c.743A>G on transcript NM_021930.6 (MANE Select); coding-DNA position 743, A replaced by G.
Protein change: p.Gln248Arg; replaces glutamine 248 with arginine.
Molecular consequence: missense variant. On other transcripts: 5 prime UTR variant (2), non-coding transcript variant (1), intron variant (1).
Genome position (GRCh38, 1-based): chr7:105,547,237, A>G. VCF-style: chr7-105547237-A-G. GRCh37 (hg19) VCF-style: chr7-105187684-A-G.
Other names: c.509A>G, p.Gln170Arg (NM_001346599.2); c.-277A>G (NM_001346600.2); c.-180A>G (NM_001346601.2); c.-27-2818A>G (NM_001346603.2); short protein forms Q170R, Q248R.
Identifiers: ClinVar variation 3314477 (VCV003314477.1).
Genomic context (GRCh38, chr7:105,547,237, plus strand): 5'-ATTGCAGTGATTTTGAGGAAATTTTAGCACAGCTTCATTGGCCATTCATCGCACCCCCTC[A>G]ATCACAAACTGTTGGCTTAAGTCGACCTGCCAGTGCCCCGGAGATATACAGTTACCTGGA-3'
Protein context (NP_068749.3, residues 238-258): QLHWPFIAPP[Gln248Arg]SQTVGLSRPA

ClinVar aggregate classification (germline): Uncertain significance (1 of 4 stars; one submission).

Submission:

Ambry Genetics
Classification: Uncertain significance. Last evaluated: 2024-05-25. Review status: criteria provided, single submitter. Criteria: Ambry Variant Classification Scheme 2023. Collection method: clinical testing. Allele origin: germline.
Comment: The p.Q248R variant (also known as c.743A>G), located in coding exon 6 of the RINT1 gene, results from an A to G substitution at nucleotide position 743. The glutamine at codon 248 is replaced by arginine, an amino acid with highly similar properties. This amino acid position is conserved. In addition, this alteration is predicted to be tolerated by in silico analysis. Based on the available evidence, the clinical significance of this variant remains unclear.